The following is an entry in ClinVar:

NM_022455.5(NSD1):c.4343C>A (p.Ser1448Tyr)

Gene: NSD1 (nuclear receptor binding SET domain protein 1; plus strand). Cytogenetic location: 5q35.3.
Variant type: single nucleotide variant.
Coding change: c.4343C>A on transcript NM_022455.5 (MANE Select); coding-DNA position 4343, C replaced by A.
Protein change: p.Ser1448Tyr; replaces serine 1448 with tyrosine.
Molecular consequence: missense variant.
Genome position (GRCh38, 1-based): chr5:177,244,235, C>A. VCF-style: chr5-177244235-C-A. GRCh37 (hg19) VCF-style: chr5-176671236-C-A.
Other names: c.3470C>A, p.Ser1157Tyr (NM_001365684.2, NM_001409306.1, NM_001409307.1 and 3 more transcripts); c.4343C>A, p.Ser1448Tyr (NM_001409301.1, NM_001409302.1, NM_001409303.1); c.3923C>A, p.Ser1308Tyr (NM_001409304.1); c.3590C>A, p.Ser1197Tyr (NM_001409305.1); short protein forms S1157Y, S1197Y, S1308Y, S1448Y.
Identifiers: ClinVar variation 3592036 (VCV003592036.3).

ClinVar aggregate classification (germline): Uncertain significance. Review status: criteria provided, multiple submitters, no conflicts (2 of 4 stars). 2 submissions from 2 submitters: Uncertain significance (2). Last evaluated 2024-03-26.

Conditions:
Sotos syndrome (SOTOS). Also called: Distinctive facial appearance, overgrowth in childhood, and learning disabilities or delayed development; SOTOS SYNDROME 1; CHROMOSOME 5q35 DELETION SYNDROME; CEREBRAL GIGANTISM; Sotos' syndrome. Identifiers: Orphanet 821, MedGen C0175695, MONDO:0019349, OMIM 117550.

Submissions (2):

Fulgent Genetics
Classification: Uncertain significance for Sotos syndrome. Last evaluated: 2024-03-26. Review status: criteria provided, single submitter. Criteria: ACMG Guidelines, 2015. Collection method: clinical testing. Allele origin: germline.

Labcorp Genetics (formerly Invitae), Labcorp
Classification: Uncertain significance. Last evaluated: 2024-03-20. Review status: criteria provided, single submitter. Criteria: Invitae Variant Classification Sherloc (09022015). Collection method: clinical testing. Allele origin: germline.
Comment: This sequence change replaces serine, which is neutral and polar, with tyrosine, which is neutral and polar, at codon 1448 of the NSD1 protein (p.Ser1448Tyr). This variant is not present in population databases (gnomAD no frequency). This variant has not been reported in the literature in individuals affected with NSD1-related conditions. Advanced modeling of protein sequence and biophysical properties (such as structural, functional, and spatial information, amino acid conservation, physicochemical variation, residue mobility, and thermodynamic stability) has been performed at Invitae for this missense variant, however the output from this modeling did not meet the statistical confidence thresholds required to predict the impact of this variant on NSD1 protein function. In summary, the available evidence is currently insufficient to determine the role of this variant in disease. Therefore, it has been classified as a Variant of Uncertain Significance.